The following is an entry in ClinVar:

ClinVar aggregate classification (germline): Uncertain significance (1 of 4 stars; one submission).

Conditions:
Long QT syndrome (LQTS). Identifiers: MedGen C0023976, MeSH D008133, MONDO:0002442. Disease mechanism: loss of function. Inheritance: Various modes of inheritance.

Allele frequency attached by ClinVar (database versions not stated): gnomAD exomes below 0.00001.

Submission:

Labcorp Genetics (formerly Invitae), Labcorp
Classification: Uncertain significance for Long QT syndrome. Last evaluated: 2026-01-09. Review status: criteria provided, single submitter. Criteria: Invitae Variant Classification Sherloc (09022015). Collection method: clinical testing. Allele origin: germline.
Comment: This sequence change replaces glycine, which is neutral and non-polar, with arginine, which is basic and polar, at codon 1030 of the CACNA1C protein (p.Gly1030Arg). This variant is present in population databases (no rsID available, gnomAD 0.006%). This variant has not been reported in the literature in individuals affected with CACNA1C-related conditions. ClinVar contains an entry for this variant (Variation ID: 1390027). Invitae Evidence Modeling of protein sequence and biophysical properties (such as structural, functional, and spatial information, amino acid conservation, physicochemical variation, residue mobility, and thermodynamic stability) indicates that this missense variant is expected to disrupt CACNA1C protein function with a positive predictive value of 95%. In summary, the available evidence is currently insufficient to determine the role of this variant in disease. Therefore, it has been classified as a Variant of Uncertain Significance.

NM_000719.7(CACNA1C):c.3088G>A (p.Gly1030Arg)

Gene: CACNA1C (calcium voltage-gated channel subunit alpha1 C; plus strand). Cytogenetic location: 12p13.33.
Variant type: single nucleotide variant.
Coding change: c.3088G>A on transcript NM_000719.7 (MANE Select); coding-DNA position 3088, G replaced by A.
Protein change: p.Gly1030Arg; replaces glycine 1030 with arginine.
Molecular consequence: missense variant.
Genome position (GRCh38, 1-based): chr12:2,605,718, G>A. VCF-style: chr12-2605718-G-A. GRCh37 (hg19) VCF-style: chr12-2714884-G-A.
Other names: c.3088G>A, p.Gly1030Arg (NM_001129835.2, NM_001129836.2, NM_001129837.2 and 15 more transcripts); c.3079G>A, p.Gly1027Arg (NM_001129844.2); c.3148G>A, p.Gly1050Arg (NM_001129827.2, NM_001129832.2, NM_199460.4); short protein forms G1027R, G1030R, G1050R.
Identifiers: ClinVar variation 1390027 (VCV001390027.6), dbSNP rs1427052106, ClinGen allele CA383374158.
Genomic context (GRCh38, chr12:2,605,718, plus strand): 5'-CCCCGTCCCTTCCCACTGCAGCATGTGGTTCAGTGTGTGTTTGTCGCCATCCGGACCATC[G>A]GGAACATCGTGATTGTCACCACCCTGCTGCAGTTCATGTTTGCCTGCATCGGGGTCCAGC-3'
Protein context (NP_000710.5, residues 1020-1040): QCVFVAIRTI[Gly1030Arg]NIVIVTTLLQ